The following is an entry in ClinVar:

ClinVar aggregate classification (germline): Uncertain significance (1 of 4 stars; one submission).

Conditions:
CHARGE syndrome (CHARGE). Also called: Hittner Hirsch Kreh syndrome; CHARGE ASSOCIATION--COLOBOMA, HEART ANOMALY, CHOANAL ATRESIA, RETARDATION, GENITAL AND EAR ANOMALIES; Coloboma, heart anomaly, choanal atresia, retardation, genital and ear anomalies; CHARGE association; Hall-Hittner syndrome. Identifiers: Orphanet 138, MedGen C0265354, MONDO:0008965.

Submission:

Labcorp Genetics (formerly Invitae), Labcorp
Classification: Uncertain significance for CHARGE syndrome. Last evaluated: 2024-06-20. Review status: criteria provided, single submitter. Criteria: Invitae Variant Classification Sherloc (09022015). Collection method: clinical testing. Allele origin: germline.
Comment: This sequence change replaces arginine, which is basic and polar, with serine, which is neutral and polar, at codon 2579 of the CHD7 protein (p.Arg2579Ser). This variant is not present in population databases (gnomAD no frequency). This variant has not been reported in the literature in individuals affected with CHD7-related conditions. Advanced modeling of protein sequence and biophysical properties (such as structural, functional, and spatial information, amino acid conservation, physicochemical variation, residue mobility, and thermodynamic stability) performed at Invitae indicates that this missense variant is not expected to disrupt CHD7 protein function with a negative predictive value of 95%. In summary, the available evidence is currently insufficient to determine the role of this variant in disease. Therefore, it has been classified as a Variant of Uncertain Significance.

NM_017780.4(CHD7):c.7737G>T (p.Arg2579Ser)

Gene: CHD7 (chromodomain helicase DNA binding protein 7; plus strand). Cytogenetic location: 8q12.2.
Variant type: single nucleotide variant.
Coding change: c.7737G>T on transcript NM_017780.4 (MANE Select); coding-DNA position 7737, G replaced by T.
Protein change: p.Arg2579Ser; replaces arginine 2579 with serine.
Molecular consequence: missense variant. On other transcripts: intron variant (1).
Genome position (GRCh38, 1-based): chr8:60,861,032, G>T. VCF-style: chr8-60861032-G-T. GRCh37 (hg19) VCF-style: chr8-61773591-G-T.
Other names: c.1717-1197G>T (NM_001316690.1); short protein forms R2579S.
Identifiers: ClinVar variation 3657176 (VCV003657176.2).
Genomic context (GRCh38, chr8:60,861,032, plus strand): 5'-TCCCGGACAGCTGGACCCAGACACACGGATCCCTGTTATCAATCTTGAAGATGGGACTAG[G>T]CTGGTGGGGGAAGATGCTCCTAAAAATAAGGATTTAGTTGAATGGCTGAAGCTGCACCCT-3'
Protein context (NP_060250.2, residues 2569-2589): IPVINLEDGT[Arg2579Ser]LVGEDAPKNK